The following is an entry in ClinVar:

NM_001201550.3(CFHR4):c.800-2A>G

Gene: CFHR4 (complement factor H related 4; plus strand). Cytogenetic location: 1q31.3.
Variant type: single nucleotide variant.
Coding change: c.800-2A>G on transcript NM_001201550.3 (MANE Select); the canonical splice acceptor site of the intron before coding-DNA position 800, A replaced by G.
Molecular consequence: splice acceptor variant. On other transcripts: intron variant (1).
Genome position (GRCh38, 1-based): chr1:196,910,279, A>G. VCF-style: chr1-196910279-A-G. GRCh37 (hg19) VCF-style: chr1-196879409-A-G.
Other names: c.257-2461A>G (NM_006684.5); c.797-2A>G (NM_001201551.2).
Identifiers: ClinVar variation 1804720 (VCV001804720.2), dbSNP rs202044205, ClinGen allele CA1306953.

ClinVar aggregate classification (germline): Benign (1 of 4 stars; one submission).

Allele frequency attached by ClinVar (database versions not stated): gnomAD exomes 0.00002; ExAC 0.00007; 1000 Genomes Project 30x 0.00016; TOPMed 0.00019; 1000 Genomes Project 0.00020; gnomAD 0.00020.
gnomAD v4.1: 55 of 1,563,066 alleles (0.0035%); highest among the groups gnomAD compares: African/African-American, 0.07%; 4 homozygotes.

Submission:

Women's Health and Genetics/Laboratory Corporation of America, LabCorp
Classification: Benign. Last evaluated: 2025-09-22. Review status: criteria provided, single submitter. Criteria: LabCorp Variant Classification Summary - May 2015. Collection method: clinical testing. Allele origin: germline.
Comment: Variant summary: CFHR4 c.800-2A>G is located in a canonical splice-site and is predicted to affect mRNA splicing resulting in a significantly altered protein due to either exon skipping, shortening, or inclusion of intronic material. Variants that disrupt the consensus splice site are a relatively common cause of aberrant splicing, however current evidence is not sufficient to establish loss of function as a mechanism for disease. Several computational tools predict a significant impact on normal splicing: Three predict the variant abolishes a 3 acceptor site. Four predict the variant creates a 3' acceptor site. However, these predictions have yet to be confirmed by functional studies. The variant allele was found at a frequency of 3.5e-05 in 1563066 control chromosomes, predominantly at a frequency of 0.0007 within the African or African-American subpopulation in the gnomAD database, including 4 homozygotes. The observed variant frequency within African or African-American control individuals in the gnomAD database exceeds the estimated maximal expected allele frequency for disease-causing variants in CFHR4. To our knowledge, no occurrence of c.800-2A>G in individuals affected with CFHR4-related conditions and no experimental evidence demonstrating its impact on protein function have been reported. ClinVar contains an entry for this variant (Variation ID: 1804720). Based on the evidence outlined above, the variant was classified as benign.